The following is an entry in ClinVar:

ClinVar aggregate classification (germline): Pathogenic (1 of 4 stars; one submission).

Conditions:
VPS13A-related neurodegenerative disease. Also called: ACANTHOCYTOSIS WITH NEUROLOGIC DISORDER; LEVINE-CRITCHLEY SYNDROME; Choreoacanthocytosis; Chorea-acanthocytosis; Choreaacanthocytosis; VPS13A Disease. Identifiers: Orphanet 2388, MedGen C0393576, MONDO:0008695, OMIM 200150.

Submission:

Myriad Genetics, Inc.
Classification: Pathogenic for VPS13A-related neurodegenerative disease. Last evaluated: 2024-05-14. Review status: criteria provided, single submitter. Criteria: Myriad Autosomal Dominant, Autosomal Recessive and X-Linked Classification Criteria (2023). Collection method: clinical testing. Allele origin: unknown.
Comment: NM_033305.2(VPS13A):c.4598del1ins11(T1533Rfs*12) is expected to be pathogenic in the context of VPS13A disease. This variant is predicted to lead to an abnormal or absent protein product due to the creation of a premature termination codon in VPS13A, a gene where loss-of-function variants are known to be pathogenic. Please note: this variant was assessed in the context of healthy population screening.

NM_033305.3(VPS13A):c.4598delinsGACATTTGCAA (p.Thr1533fs)

Gene: VPS13A (vacuolar protein sorting 13 homolog A; plus strand). Cytogenetic location: 9q21.2.
Variant type: Indel.
Coding change: c.4598delinsGACATTTGCAA on transcript NM_033305.3 (MANE Select); coding-DNA position 4598, C replaced by GACATTTGCAA.
Protein change: p.Thr1533fs; shifts the reading frame from threonine 1533.
Molecular consequence: frameshift variant.
Genome position (GRCh38, 1-based): chr9:77,315,438, C replaced by GACATTTGCAA. VCF-style: chr9-77315438-C-GACATTTGCAA. GRCh37 (hg19) VCF-style: chr9-79930354-C-GACATTTGCAA.
Other names: c.4481delinsGACATTTGCAA, p.Thr1494fs (NM_001018037.2); c.4598delinsGACATTTGCAA, p.Thr1533fs (NM_001018038.3, NM_015186.4); short protein forms T1494fs, T1533fs.
Identifiers: ClinVar variation 5010598 (VCV005010598.1).